The following is an entry in ClinVar:

ClinVar aggregate classification (germline): Uncertain significance. Review status: criteria provided, multiple submitters, no conflicts (2 of 4 stars). 3 submissions from 3 submitters: Uncertain significance (3). Last evaluated 2025-02-19.

Submissions (3):

Ambry Genetics
Classification: Uncertain significance. Last evaluated: 2025-02-19. Review status: criteria provided, single submitter. Criteria: Ambry Variant Classification Scheme 2023. Collection method: clinical testing. Allele origin: germline.

Blueprint Genetics
Classification: Uncertain significance. Last evaluated: 2023-11-11. Review status: criteria provided, single submitter. Criteria: ACMG Guidelines, 2015. Collection method: clinical testing. Allele origin: germline.

Labcorp Genetics (formerly Invitae), Labcorp
Classification: Uncertain significance. Last evaluated: 2022-06-27. Review status: criteria provided, single submitter. Criteria: Invitae Variant Classification Sherloc (09022015). Collection method: clinical testing. Allele origin: germline.
Comment: In summary, the available evidence is currently insufficient to determine the role of this variant in disease. Therefore, it has been classified as a Variant of Uncertain Significance. Algorithms developed to predict the effect of missense changes on protein structure and function are either unavailable or do not agree on the potential impact of this missense change (SIFT: "Tolerated"; PolyPhen-2: "Possibly Damaging"; Align-GVGD: "Class C0"). This variant has not been reported in the literature in individuals affected with SLC7A14-related conditions. This variant is not present in population databases (gnomAD no frequency). This sequence change replaces arginine, which is basic and polar, with glycine, which is neutral and non-polar, at codon 545 of the SLC7A14 protein (p.Arg545Gly).

NM_020949.3(SLC7A14):c.1633A>G (p.Arg545Gly)

Genes: SLC7A14 (solute carrier family 7 member 14; minus strand), SLC7A14-AS1 (SLC7A14 antisense RNA 1; plus strand). Cytogenetic location: 3q26.2.
Variant type: single nucleotide variant.
Coding change: c.1633A>G on transcript NM_020949.3 (MANE Select); coding-DNA position 1633, A replaced by G.
Protein change: p.Arg545Gly; replaces arginine 545 with glycine.
Molecular consequence: missense variant.
Genome position (GRCh38, 1-based): chr3:170,480,649, T>C on the plus strand (A>G on the coding strand, the complement: SLC7A14 is on the minus strand). VCF-style: chr3-170480649-T-C. GRCh37 (hg19) VCF-style: chr3-170198438-T-C.
Other names: c.1633A>G (NM_020949.2); short protein forms R545G.
Identifiers: ClinVar variation 1464723 (VCV001464723.10), dbSNP rs2108268665, ClinGen allele CA355489829.